The following is an entry in ClinVar:

ClinVar aggregate classification (germline): Uncertain significance (1 of 4 stars; one submission).

Submission:

GeneDx
Classification: Uncertain significance. Last evaluated: 2025-04-18. Review status: criteria provided, single submitter. Criteria: GeneDx Variant Classification Process June 2021. Collection method: clinical testing. Allele origin: germline. Affected: yes.
Comment: Not observed at significant frequency in large population cohorts (gnomAD); Has not been previously published as pathogenic or benign to our knowledge; Nonsense variant predicted to result in protein truncation or nonsense mediated decay in a gene for which loss-of-function is not a known mechanism of disease

NM_032482.3(DOT1L):c.2977C>T (p.Gln993Ter)

Gene: DOT1L (DOT1 like histone lysine methyltransferase; plus strand). Cytogenetic location: 19p13.3.
Variant type: single nucleotide variant.
Coding change: c.2977C>T on transcript NM_032482.3 (MANE Select); coding-DNA position 2977, C replaced by T.
Protein change: p.Gln993Ter; replaces glutamine 993 with a stop codon.
Molecular consequence: nonsense.
Genome position (GRCh38, 1-based): chr19:2,222,146, C>T. VCF-style: chr19-2222146-C-T. GRCh37 (hg19) VCF-style: chr19-2222145-C-T.
Other names: c.2977C>T, p.Gln993Ter (NM_001411141.1); short protein forms Q993*.
Identifiers: ClinVar variation 4282316 (VCV004282316.1).